The following is an entry in ClinVar:

NM_007118.4(TRIO):c.3224C>T (p.Thr1075Ile)

Gene: TRIO (trio Rho guanine nucleotide exchange factor; plus strand). Cytogenetic location: 5p15.2.
Variant type: single nucleotide variant.
Coding change: c.3224C>T on transcript NM_007118.4 (MANE Select); coding-DNA position 3224, C replaced by T.
Protein change: p.Thr1075Ile; replaces threonine 1075 with isoleucine.
Molecular consequence: missense variant. On other transcripts: non-coding transcript variant (1).
Genome position (GRCh38, 1-based): chr5:14,374,236, C>T. VCF-style: chr5-14374236-C-T. GRCh37 (hg19) VCF-style: chr5-14374345-C-T.
Other names: short protein forms T1075I.
Identifiers: ClinVar variation 978212 (VCV000978212.1), dbSNP rs1745368018, ClinGen allele CA359218451.

ClinVar aggregate classification (germline): Likely pathogenic (1 of 4 stars; one submission).

Conditions:
Intellectual developmental disorder, autosomal dominant 63, with macrocephaly. Also called: MENTAL RETARDATION, AUTOSOMAL DOMINANT 63, WITH MACROCEPHALY. Identifiers: MedGen C5394205, MONDO:0032939, OMIM 618825.

Submission:

SIB Swiss Institute of Bioinformatics
Classification: Likely pathogenic for Intellectual developmental disorder, autosomal dominant 63, with macrocephaly. Last evaluated: 2020-09-10. Review status: criteria provided, single submitter. Criteria: ACMG Guidelines, 2015. Collection method: curation. Allele origin: unknown.
Comment: This variant is interpreted as likely pathogenic for Intellectual developmental disorder, autosomal dominant 63, with macrocephaly. The following ACMG Tag(s) were applied: Absent from controls (or at extremely low frequency if recessive) in Exome Sequencing Project, 1000 Genomes Project, or Exome Aggregation Consortium (PM2); Missense variant in a gene that has a low rate of benign missense variation and in which missense variants are a common mechanism of disease (PP2); Multiple lines of computational evidence support a deleterious effect on the gene or gene product (PP3); Located in a mutational hot spot and/or critical and well-established functional domain (e.g., active site of an enzyme) without benign variation (PM1); Well-established functional studies show a deleterious effect (PS3 downgraded to supporting).

Literature cited by the submitters: PubMed 32109419.